The following is an entry in ClinVar:

NM_024753.5(TTC21B):c.797C>T (p.Ala266Val)

Gene: TTC21B (tetratricopeptide repeat domain 21B; minus strand). Cytogenetic location: 2q24.3.
Variant type: single nucleotide variant.
Coding change: c.797C>T on transcript NM_024753.5 (MANE Select); coding-DNA position 797, C replaced by T.
Protein change: p.Ala266Val; replaces alanine 266 with valine.
Molecular consequence: missense variant.
Genome position (GRCh38, 1-based): chr2:165,931,855, G>A on the plus strand (C>T on the coding strand, the complement: TTC21B is on the minus strand). VCF-style: chr2-165931855-G-A. GRCh37 (hg19) VCF-style: chr2-166788365-G-A.
Other names: c.797C>T (NM_024753.3); short protein forms A266V.
Identifiers: ClinVar variation 1352259 (VCV001352259.6), dbSNP rs562559211, ClinGen allele CA1942319.
Genomic context (GRCh38, chr2:165,931,855, plus strand): 5'-TGAGCATTCTGTGGTTCCATGGCATCCAATGTATTTCCCAAGTTTTCCAGCTTGGTGGAA[G>A]CCTAAAACAAAAGGAACTGGTATTAACTTAAAATATACTAAGTAAAAACAACATAATACA-3'
Protein context (NP_079029.3, residues 256-276): YVCREGDIEK[Ala266Val]STKLENLGNT

ClinVar aggregate classification (germline): Uncertain significance. Review status: criteria provided, multiple submitters, no conflicts (2 of 4 stars). 2 submissions from 2 submitters: Uncertain significance (2). Last evaluated 2026-07-03.

Conditions:
Inborn genetic diseases. Identifiers: MedGen C0950123, MeSH D030342.
Jeune thoracic dystrophy. Also called: Jeune syndrome; Infantile thoracic dystrophy; Thoracic pelvic phalangeal dystrophy; Jeune's syndrome; Chondroectodermal dysplasia-like syndrome; Short-rib thoracic dysplasia. Identifiers: Orphanet 474, MedGen C0265275, MONDO:0018770.
Nephronophthisis. Also called: Juvenile Nephronophthisis. Identifiers: Orphanet 655, MedGen C0687120, MONDO:0019005, HP:0000090.

Allele frequency attached by ClinVar (database versions not stated): gnomAD 0.00001; gnomAD exomes below 0.00001; TOPMed below 0.00001; ExAC 0.00001; 1000 Genomes Project 30x 0.00016; 1000 Genomes Project 0.00020.

Submissions (2):

Ambry Genetics
Classification: Uncertain significance for Inborn genetic diseases. Last evaluated: 2026-07-03. Review status: criteria provided, single submitter. Criteria: Ambry Variant Classification Scheme 2023. Collection method: clinical testing. Allele origin: germline.

Labcorp Genetics (formerly Invitae), Labcorp
Classification: Uncertain significance for Jeune thoracic dystrophy; Nephronophthisis. Last evaluated: 2024-11-11. Review status: criteria provided, single submitter. Criteria: Invitae Variant Classification Sherloc (09022015). Collection method: clinical testing. Allele origin: germline.
Comment: This sequence change replaces alanine, which is neutral and non-polar, with valine, which is neutral and non-polar, at codon 266 of the TTC21B protein (p.Ala266Val). This variant is present in population databases (rs562559211, gnomAD 0.007%). This variant has not been reported in the literature in individuals affected with TTC21B-related conditions. ClinVar contains an entry for this variant (Variation ID: 1352259). An algorithm developed to predict the effect of missense changes on protein structure and function (PolyPhen-2) suggests that this variant is likely to be disruptive. In summary, the available evidence is currently insufficient to determine the role of this variant in disease. Therefore, it has been classified as a Variant of Uncertain Significance.